The following is an entry in ClinVar:

ClinVar aggregate classification (germline): Uncertain significance (1 of 4 stars; one submission).

Allele frequency attached by ClinVar (database versions not stated): gnomAD exomes 0.00002; ExAC 0.00002; gnomAD 0.00002.
gnomAD v4.1: 17 of 1,613,966 alleles (0.0011%); highest among the groups gnomAD compares: South Asian, 0.019%; 1 homozygote.

Submission:

CeGaT Center for Human Genetics Tuebingen
Classification: Uncertain significance. Last evaluated: 2024-07-01. Review status: criteria provided, single submitter. Criteria: CeGaT Center For Human Genetics Tuebingen Variant Classification Criteria Version 2. Collection method: clinical testing. Allele origin: germline. Affected: yes. Observed: 1 variant allele.
Comment: COL6A3: PM2, BP4

NM_004369.4(COL6A3):c.4346C>A (p.Pro1449Gln)

Gene: COL6A3 (collagen type VI alpha 3 chain; minus strand). Cytogenetic location: 2q37.3.
Variant type: single nucleotide variant.
Coding change: c.4346C>A on transcript NM_004369.4 (MANE Select); coding-DNA position 4346, C replaced by A.
Protein change: p.Pro1449Gln; replaces proline 1449 with glutamine.
Molecular consequence: missense variant.
Genome position (GRCh38, 1-based): chr2:237,369,117, G>T on the plus strand (C>A on the coding strand, the complement: COL6A3 is on the minus strand). VCF-style: chr2-237369117-G-T. GRCh37 (hg19) VCF-style: chr2-238277760-G-T.
Other names: c.2525C>A, p.Pro842Gln (NM_057166.5); c.3728C>A, p.Pro1243Gln (NM_057167.4); short protein forms P1243Q, P1449Q, P842Q.
Identifiers: ClinVar variation 2652047 (VCV002652047.22), dbSNP rs779373445, ClinGen allele CA2188913.
Genomic context (GRCh38, chr2:237,369,117, plus strand): 5'-CCGATGTTGAGTCTTCGAACAATCCTGCTAACAAAATCTCGAATATGTGCAAAGCCATCT[G>T]GCCTAACTCCCTCAGAGCTGTCGATCAGAAAGACAATGTCTGCAGCATCACTCTCAACTG-3'
Protein context (NP_004360.2, residues 1439-1459): FLIDSSEGVR[Pro1449Gln]DGFAHIRDFV